The following is an entry in ClinVar:

ClinVar aggregate classification (germline): Likely benign (1 of 4 stars; one submission).

Allele frequency attached by ClinVar (database versions not stated): ExAC 0.00007; TOPMed 0.00012; gnomAD 0.00013; ESP Exome Variant Server 0.00025; 1000 Genomes Project 0.00040; 1000 Genomes Project 30x 0.00047.
gnomAD v4.1: 74 of 1,613,482 alleles (0.0046%); highest among the groups gnomAD compares: Middle Eastern, 0.28%; 1 homozygote.

Submission:

CeGaT Center for Human Genetics Tuebingen
Classification: Likely benign. Last evaluated: 2023-05-01. Review status: criteria provided, single submitter. Criteria: CeGaT Center For Human Genetics Tuebingen Variant Classification Criteria Version 2. Collection method: clinical testing. Allele origin: germline. Affected: yes. Observed: 1 variant allele.
Comment: ZNF292: BP4, BP7

NM_015021.3(ZNF292):c.6378G>A (p.Thr2126=)

Gene: ZNF292 (zinc finger protein 292; plus strand). Cytogenetic location: 6q14.3.
Variant type: single nucleotide variant.
Coding change: c.6378G>A on transcript NM_015021.3 (MANE Select); coding-DNA position 6378, G replaced by A.
Protein change: p.Thr2126=; no amino-acid change (threonine 2126 retained).
Molecular consequence: synonymous variant.
Genome position (GRCh38, 1-based): chr6:87,260,007, G>A. VCF-style: chr6-87260007-G-A. GRCh37 (hg19) VCF-style: chr6-87969725-G-A.
Other names: c.5958G>A, p.Thr1986= (NM_001351444.2).
Identifiers: ClinVar variation 2656756 (VCV002656756.24), dbSNP rs201454729, ClinGen allele CA3914628.